The following is an entry in ClinVar:

ClinVar aggregate classification (germline): Uncertain significance. Review status: criteria provided, single submitter (1 of 4 stars). 2 submissions from 2 submitters: Uncertain significance (1). 1 of the submissions does not count toward it. Last evaluated 2024-03-18.

Conditions:
Carcinoma of colon (CRC). Also called: Colonic carcinoma; Colon carcinoma. Identifiers: MedGen C0699790, MONDO:0002032.
Hereditary cancer-predisposing syndrome. Also called: Hereditary Cancer Syndrome; Hereditary neoplastic syndrome; Tumor predisposition; Neoplastic Syndromes, Hereditary. Identifiers: Orphanet 140162, MedGen C0027672, MeSH D009386, MONDO:0015356.

Allele frequency attached by ClinVar (database versions not stated): gnomAD exomes below 0.00001.
gnomAD v4.1: 3 of 1,554,774 alleles (0.00019%); highest among the groups gnomAD compares: Non-Finnish European, 0.00026%; no homozygotes.

Submissions (2):

Ambry Genetics
Classification: Uncertain significance for Hereditary cancer-predisposing syndrome. Last evaluated: 2024-03-18. Review status: criteria provided, single submitter. Criteria: Ambry Variant Classification Scheme 2023. Collection method: clinical testing. Allele origin: germline.
Comment: The p.G56V variant (also known as c.167G>T), located in coding exon 1 of the MSH6 gene, results from a G to T substitution at nucleotide position 167. The glycine at codon 56 is replaced by valine, an amino acid with dissimilar properties. This amino acid position is not well conserved in available vertebrate species. In addition, this alteration is predicted to be tolerated by in silico analysis. Based on the available evidence, the clinical significance of this alteration remains unclear.

Department of Pathology and Laboratory Medicine, Sinai Health System
Classification: Uncertain significance for Carcinoma of colon. Review status: no assertion criteria provided. Collection method: clinical testing. Allele origin: unknown. Affected: yes. Study: The Canadian Open Genetics Repository (COGR). Not counted in ClinVar's aggregate classification.
Comment: The MSH6 p.Gly56Val variant was not identified in the literature nor was it identified in the dbSNP, ClinVar or UMD-LSDB databases. The variant was not identified in the following control databases: the Exome Aggregation Consortium (August 8th 2016) or the Genome Aggregation Database (Feb 27, 2017). The p.Gly56 residue is conserved in mammals and computational analyses (PolyPhen-2, SIFT, AlignGVGD, BLOSUM, MutationTaster) provide inconsistent predictions regarding the impact to the protein; this information is not very predictive of pathogenicity. The variant occurs outside of the splicing consensus sequence and 2 of 4 in silico or computational prediction software programs (SpliceSiteFinder, MaxEntScan, NNSPLICE, GeneSplicer) predict a greater than 10% difference in splicing; this is not very predictive of pathogenicity. In summary, based on the above information, the clinical significance of this variant cannot be determined with certainty at this time. This variant is classified as a variant of uncertain significance.

NM_000179.3(MSH6):c.167G>T (p.Gly56Val)

Gene: MSH6 (mutS homolog 6; plus strand). Cytogenetic location: 2p16.3.
Variant type: single nucleotide variant.
Coding change: c.167G>T on transcript NM_000179.3 (MANE Select); coding-DNA position 167, G replaced by T.
Protein change: p.Gly56Val; replaces glycine 56 with valine.
Molecular consequence: missense variant. On other transcripts: 5 prime UTR variant (1).
Genome position (GRCh38, 1-based): chr2:47,783,400, G>T. VCF-style: chr2-47783400-G-T. GRCh37 (hg19) VCF-style: chr2-48010539-G-T.
Other names: c.167G>T, p.Gly56Val (NM_001281492.2); c.-570G>T (NM_001281493.2); short protein forms G56V.
Identifiers: ClinVar variation 1049059 (VCV001049059.4), dbSNP rs1572698275, ClinGen allele CA346734986.